The following is an entry in ClinVar:

ClinVar aggregate classification (germline): Likely benign. Review status: criteria provided, multiple submitters, no conflicts (2 of 4 stars). 3 submissions from 3 submitters: Likely benign (3). Last evaluated 2026-03-24.

Conditions:
Brugada syndrome. Also called: Sudden unexpected nocturnal death syndrome; Sudden unexplained nocturnal death syndrome; Sudden Unexplained Death Syndrome; Sudden Unexplained Nocturnal Death Syndrome (SUNDS). Identifiers: Orphanet 130, MedGen C1142166, MONDO:0015263.
Cardiovascular phenotype. Identifiers: MedGen CN230736.
SCN10A-related disorder. Also called: SCN10A-related condition.

Allele frequency attached by ClinVar (database versions not stated): ExAC 0.00002; gnomAD exomes 0.00002; TOPMed 0.00002; gnomAD 0.00005.
gnomAD v4.1: 38 of 1,613,560 alleles (0.0024%); highest among the groups gnomAD compares: Non-Finnish European, 0.0032%; no homozygotes.

Submissions (3):

PreventionGenetics, part of Exact Sciences
Classification: Likely benign for SCN10A-related condition. Last evaluated: 2026-03-24. Review status: criteria provided, single submitter. Criteria: ACMG Guidelines, 2015. Collection method: clinical testing. Allele origin: germline.
Comment: This variant is classified as likely benign based on ACMG/AMP sequence variant interpretation guidelines (Richards et al. 2015 PMID: 25741868, with internal and published modifications).

Labcorp Genetics (formerly Invitae), Labcorp
Classification: Likely benign for Brugada syndrome. Last evaluated: 2025-11-15. Review status: criteria provided, single submitter. Criteria: Invitae Variant Classification Sherloc (09022015). Collection method: clinical testing. Allele origin: germline.

Ambry Genetics
Classification: Likely benign for Cardiovascular phenotype. Last evaluated: 2023-05-07. Review status: criteria provided, single submitter. Criteria: Ambry Variant Classification Scheme 2023. Collection method: clinical testing. Allele origin: germline.

NM_006514.4(SCN10A):c.4614C>T (p.Gly1538=)

Gene: SCN10A (sodium voltage-gated channel alpha subunit 10; minus strand). Cytogenetic location: 3p22.2.
Variant type: single nucleotide variant.
Coding change: c.4614C>T on transcript NM_006514.4 (MANE Select); coding-DNA position 4614, C replaced by T.
Protein change: p.Gly1538=; no amino-acid change (glycine 1538 retained).
Molecular consequence: synonymous variant.
Genome position (GRCh38, 1-based): chr3:38,701,882, G>A on the plus strand (C>T on the coding strand, the complement: SCN10A is on the minus strand). VCF-style: chr3-38701882-G-A. GRCh37 (hg19) VCF-style: chr3-38743373-G-A.
Other names: c.4611C>T, p.Gly1537= (NM_001293306.2); c.4320C>T, p.Gly1440= (NM_001293307.2); c.4614C>T (NM_006514.2, NM_006514.3).
Identifiers: ClinVar variation 2136677 (VCV002136677.7), dbSNP rs757067340, ClinGen allele CA2319862.
Genomic context (GRCh38, chr3:38,701,882, plus strand): 5'-CGTGGCTGCCCACTTACTCGCAATGGAGAGAACCACCACAATGAAGTCAAACACATTCCA[G>A]CCATTTGTGAAGTAGTACTGCCTCAAAGCGAACATCTTCATGACACATTCGCCTGTGAAG-3'
Protein context (NP_006505.4, residues 1528-1548): FALRQYYFTN[Gly1538=]WNVFDFIVVV